The following is an entry in ClinVar:

NM_017951.5(SMPD4):c.-75C>T

Gene: SMPD4 (sphingomyelin phosphodiesterase 4; minus strand). Cytogenetic location: 2q21.1.
Variant type: single nucleotide variant.
Coding change: c.-75C>T on transcript NM_017951.5 (MANE Select); 75 bases upstream of the start codon, C replaced by T.
Molecular consequence: 5 prime UTR variant. On other transcripts: synonymous variant (2), non-coding transcript variant (2).
Genome position (GRCh38, 1-based): chr2:130,181,559, G>A on the plus strand (C>T on the coding strand, the complement: SMPD4 is on the minus strand). VCF-style: chr2-130181559-G-A. GRCh37 (hg19) VCF-style: chr2-130939132-G-A.
Other names: c.43C>T, p.Leu15= (NM_001171083.2, NM_017751.4).
Identifiers: ClinVar variation 3257640 (VCV003257640.17).

ClinVar aggregate classification (germline): Likely benign (1 of 4 stars; one submission).

gnomAD v4.1: 442 of 1,606,714 alleles (0.028%); highest among the groups gnomAD compares: Middle Eastern, 0.26%; 1 homozygote.

Submission:

CeGaT Center for Human Genetics Tuebingen
Classification: Likely benign. Last evaluated: 2024-07-01. Review status: criteria provided, single submitter. Criteria: CeGaT Center For Human Genetics Tuebingen Variant Classification Criteria Version 2. Collection method: clinical testing. Allele origin: germline. Affected: yes. Observed: 1 variant allele.
Comment: SMPD4: BP4, BP7